The following is an entry in ClinVar:

ClinVar aggregate classification (germline): Uncertain significance (1 of 4 stars; one submission).

Allele frequency attached by ClinVar (database versions not stated): TOPMed below 0.00001.

Submission:

Women's Health and Genetics/Laboratory Corporation of America, LabCorp
Classification: Uncertain significance. Last evaluated: 2019-04-12. Review status: criteria provided, single submitter. Criteria: LabCorp Variant Classification Summary - May 2015. Collection method: clinical testing. Allele origin: germline.
Comment: Variant summary: HBB c.*102C>T is located in the untranslated mRNA region downstream of the termination codon. 5/5 computational tools predict no significant impact on normal splicing. However, these predictions have yet to be confirmed by functional studies. The variant was absent in 30948 control chromosomes (gnomAD). The available data on variant occurrences in the general population are insufficient to allow any conclusion about variant significance. To our knowledge, no occurrence of c.*102C>T in individuals affected with Hemoglobinopathy and no experimental evidence demonstrating its impact on protein function have been reported. No clinical diagnostic laboratories have submitted clinical-significance assessments for this variant to ClinVar after 2014. Based on the evidence outlined above, the variant was classified as uncertain significance.

NM_000518.5(HBB):c.*102C>T

Genes: HBB (hemoglobin subunit beta; minus strand), LOC110006319 (beta-globin gene 3' regulatory region; plus strand), LOC107133510 (origin of replication at HBB; plus strand). Cytogenetic location: 11p15.4.
Variant type: single nucleotide variant.
Coding change: c.*102C>T on transcript NM_000518.5 (MANE Select); 102 bases downstream of the stop codon, C replaced by T.
Molecular consequence: 3 prime UTR variant.
Genome position (GRCh38, 1-based): chr11:5,225,496, G>A on the plus strand (C>T on the coding strand, the complement: HBB is on the minus strand). VCF-style: chr11-5225496-G-A. GRCh37 (hg19) VCF-style: chr11-5246726-G-A.
Identifiers: ClinVar variation 495966 (VCV000495966.2), dbSNP rs1554917429, ClinGen allele CA658683669.